The following is an entry in ClinVar:

NM_005199.5(CHRNG):c.350+4A>G

Gene: CHRNG (cholinergic receptor nicotinic gamma subunit; plus strand). Cytogenetic location: 2q37.1.
Variant type: single nucleotide variant.
Coding change: c.350+4A>G on transcript NM_005199.5 (MANE Select); 4 bases into the intron after coding-DNA position 350, A replaced by G.
Molecular consequence: intron variant.
Genome position (GRCh38, 1-based): chr2:232,540,715, A>G. VCF-style: chr2-232540715-A-G. GRCh37 (hg19) VCF-style: chr2-233405425-A-G.
Identifiers: ClinVar variation 2431590 (VCV002431590.1), dbSNP rs2469746850, ClinGen allele CA2580066051.

ClinVar aggregate classification (germline): Uncertain significance (1 of 4 stars; one submission).

Conditions:
Autosomal recessive multiple pterygium syndrome. Also called: PTERYGIUM COLLI SYNDROME; PTERYGIUM SYNDROME; PTERYGIUM UNIVERSALE; MULTIPLE PTERYGIUM SYNDROME, ESCOBAR VARIANT. Identifiers: Orphanet 2990, MedGen C0265261, MONDO:0009926, OMIM 265000.

Submission:

Laboratorio de Genetica e Diagnostico Molecular, Hospital Israelita Albert Einstein
Classification: Uncertain significance for Autosomal recessive multiple pterygium syndrome. Last evaluated: 2022-04-19. Review status: criteria provided, single submitter. Criteria: ACMG Guidelines, 2015. Collection method: clinical testing. Allele origin: germline. Affected: yes. Observed: 1 variant allele.
Comment: ACMG classification criteria: PM2 moderated, PP3 supporting